The following is an entry in ClinVar:

NM_000352.6(ABCC8):c.1452_1461del (p.Gln485fs)

Gene: ABCC8 (ATP binding cassette subfamily C member 8; minus strand). Cytogenetic location: 11p15.1.
Variant type: Deletion.
Coding change: c.1452_1461del on transcript NM_000352.6 (MANE Select); coding-DNA positions 1452 to 1461, 10 bases deleted (CCAGCGGAGC; older notation c.1452_1461delCCAGCGGAGC).
Protein change: p.Gln485fs; shifts the reading frame from glutamine 485.
Molecular consequence: frameshift variant. On other transcripts: non-coding transcript variant (1).
Genome position (GRCh38, 1-based): chr11:17,443,184-17,443,193, GCTCCGCTGG deleted on the plus strand (CCAGCGGAGC on the coding strand, the reverse complement: ABCC8 is on the minus strand); deleting any 10 consecutive bases within chr11:17,443,184-17,443,195 gives the same sequence; the c. name uses the placement nearest the transcript's 3' end. VCF-style (leftmost placement, unchanged base first): chr11-17443183-TGCTCCGCTGG-T. GRCh37 (hg19) VCF-style: chr11-17464730-TGCTCCGCTGG-T.
Other names: c.1452_1461del, p.Gln485fs (NM_001287174.3, NM_001351295.2); c.1449_1458del, p.Gln484fs (NM_001351296.2, NM_001351297.2); short protein forms Q485fs, Q484fs.
Identifiers: ClinVar variation 2772157 (VCV002772157.3), dbSNP rs2496755272, ClinGen allele CA2697548452.

ClinVar aggregate classification (germline): Pathogenic (1 of 4 stars; one submission).

Submission:

Labcorp Genetics (formerly Invitae), Labcorp
Classification: Pathogenic. Last evaluated: 2023-10-27. Review status: criteria provided, single submitter. Criteria: Invitae Variant Classification Sherloc (09022015). Collection method: clinical testing. Allele origin: germline.
Comment: This sequence change creates a premature translational stop signal (p.Gln485Hisfs*9) in the ABCC8 gene. It is expected to result in an absent or disrupted protein product. Loss-of-function variants in ABCC8 are known to be pathogenic (PMID: 20685672, 23345197). This variant is not present in population databases (gnomAD no frequency). This variant has not been reported in the literature in individuals affected with ABCC8-related conditions. For these reasons, this variant has been classified as Pathogenic.

Literature cited by the submitters: PubMed 20685672; PubMed 23345197.